The following is an entry in ClinVar:

NM_080680.3(COL11A2):c.190C>T (p.Arg64Ter)

Gene: COL11A2 (collagen type XI alpha 2 chain; minus strand). Cytogenetic location: 6p21.32.
Variant type: single nucleotide variant.
Coding change: c.190C>T on transcript NM_080680.3 (MANE Select); coding-DNA position 190, C replaced by T.
Protein change: p.Arg64Ter; replaces arginine 64 with a stop codon.
Molecular consequence: nonsense.
Genome position (GRCh38, 1-based): chr6:33,189,362, G>A on the plus strand (C>T on the coding strand, the complement: COL11A2 is on the minus strand). VCF-style: chr6-33189362-G-A. GRCh37 (hg19) VCF-style: chr6-33157139-G-A.
Other names: c.190C>T, p.Arg64Ter (NM_001163771.2, NM_080679.3, NM_080681.3); short protein forms R64*.
Identifiers: ClinVar variation 432697 (VCV000432697.6), dbSNP rs1554226209, ClinGen allele CA363613163.

ClinVar aggregate classification (germline): Pathogenic. Review status: criteria provided, multiple submitters, no conflicts (2 of 4 stars). 2 submissions from 2 submitters: Pathogenic (2). Last evaluated 2023-08-23.

Allele frequency attached by ClinVar (database versions not stated): gnomAD exomes below 0.00001.
gnomAD v4.1: 1 of 1,613,392 alleles (0.000062%); highest among the groups gnomAD compares: South Asian, 0.0011%; no homozygotes.

Submissions (2):

Labcorp Genetics (formerly Invitae), Labcorp
Classification: Pathogenic. Last evaluated: 2023-08-23. Review status: criteria provided, single submitter. Criteria: Invitae Variant Classification Sherloc (09022015). Collection method: clinical testing. Allele origin: germline.
Comment: For these reasons, this variant has been classified as Pathogenic. This sequence change creates a premature translational stop signal (p.Arg64*) in the COL11A2 gene. It is expected to result in an absent or disrupted protein product. Loss-of-function variants in COL11A2 are known to be pathogenic (PMID: 10677296, 21204229). This variant is not present in population databases (gnomAD no frequency). This premature translational stop signal has been observed in individual(s) with otospondylomegaepiphyseal dysplasia (PMID: 32341816). ClinVar contains an entry for this variant (Variation ID: 432697).

GeneDx
Classification: Pathogenic. Last evaluated: 2023-02-22. Review status: criteria provided, single submitter. Criteria: GeneDx Variant Classification Process June 2021. Collection method: clinical testing. Allele origin: germline. Affected: yes.
Comment: Not observed at significant frequency in large population cohorts (gnomAD); Nonsense variant predicted to result in protein truncation or nonsense mediated decay in a gene for which loss of function is a known mechanism of disease; This variant is associated with the following publications: (PMID: 32341816)

Literature cited by the submitters: PubMed 10677296 (cited by Labcorp Genetics (formerly Invitae), Labcorp); PubMed 21204229 (cited by Labcorp Genetics (formerly Invitae), Labcorp); PubMed 32341816 (cited by Labcorp Genetics (formerly Invitae), Labcorp).